The following is an entry in ClinVar:

ClinVar aggregate classification (germline): Uncertain significance (1 of 4 stars; one submission).

Allele frequency attached by ClinVar (database versions not stated): TOPMed below 0.00001; ExAC 0.00002.
gnomAD v4.1: 2 of 1,596,624 alleles (0.00013%); highest among the groups gnomAD compares: Admixed American, 0.0035%; no homozygotes.

Submission:

GeneDx
Classification: Uncertain significance. Last evaluated: 2022-08-23. Review status: criteria provided, single submitter. Criteria: GeneDx Variant Classification Process June 2021. Collection method: clinical testing. Allele origin: germline. Affected: yes.
Comment: Not observed at significant frequency in large population cohorts (gnomAD); Missense variant in a gene in which most reported pathogenic variants are truncating/loss of function; Has not been previously published as pathogenic or benign to our knowledge; Located in the I-band region of TTN

NM_001267550.2(TTN):c.33877G>C (p.Ala11293Pro)

Gene: TTN (titin; minus strand). Cytogenetic location: 2q31.2.
Variant type: single nucleotide variant.
Coding change: c.33877G>C on transcript NM_001267550.2 (MANE Select); coding-DNA position 33877, G replaced by C.
Protein change: p.Ala11293Pro; replaces alanine 11293 with proline.
Molecular consequence: missense variant. On other transcripts: intron variant (3).
Genome position (GRCh38, 1-based): chr2:178,678,447, C>G on the plus strand (G>C on the coding strand, the complement: TTN is on the minus strand). VCF-style: chr2-178678447-C-G. GRCh37 (hg19) VCF-style: chr2-179543174-C-G.
Other names: c.32926G>C, p.Ala10976Pro (NM_001256850.1); c.30145G>C, p.Ala10049Pro (NM_133378.4); c.13283-36130G>C (NM_003319.4); c.13859-36130G>C (NM_133437.4); c.13658-36130G>C (NM_133432.3); short protein forms A10049P, A10976P, A11293P.
Identifiers: ClinVar variation 2430496 (VCV002430496.1), dbSNP rs765159614, ClinGen allele CA1998203.
Genomic context (GRCh38, chr2:178,678,447, plus strand): 5'-AGTACTCTAAGTGATGAAATTATGTACCTTTTGCAGGTGGAGCCTCCACTTTCTTAGGAG[C>G]AGGAACTGGCACCTTCTTCTCAGGCACAGGCTTCTTGGGTACCTCTGGCACTTTAACGAA-3'
Protein context (NP_001254479.2, residues 11283-11303): PVPEKKVPVP[Ala11293Pro]PKKVEAPPAK